The following is an entry in ClinVar:

ClinVar aggregate classification (germline): Likely benign. Review status: criteria provided, multiple submitters, no conflicts (2 of 4 stars). 6 submissions from 6 submitters: Likely benign (5). 1 of the submissions does not count toward it. Last evaluated 2025-10-22.

Conditions:
COG4-congenital disorder of glycosylation. Also called: COG4-CDG; CONGENITAL DISORDER OF GLYCOSYLATION, TYPE IIj; CDG IIj. Identifiers: Orphanet 263501, MedGen C4303552, MONDO:0013281, OMIM 613489.
COG4-related disorder. Also called: COG4-related condition.

Allele frequency attached by ClinVar (database versions not stated): gnomAD exomes 0.00021 and 0.00015; gnomAD 0.00022 and 0.00018; ExAC 0.00030; ESP Exome Variant Server 0.00015; TOPMed 0.00020.
gnomAD v4.1: 272 of 1,614,002 alleles (0.017%); highest among the groups gnomAD compares: Middle Eastern, 0.83%; 5 homozygotes.

Submissions (6):

Labcorp Genetics (formerly Invitae), Labcorp
Classification: Likely benign for COG4-congenital disorder of glycosylation. Last evaluated: 2025-10-22. Review status: criteria provided, single submitter. Criteria: Invitae Variant Classification Sherloc (09022015). Collection method: clinical testing. Allele origin: germline.

Blueprint Genetics
Classification: Likely benign. Last evaluated: 2024-11-01. Review status: criteria provided, single submitter. Criteria: ACMG Guidelines, 2015. Collection method: clinical testing. Allele origin: germline.

CeGaT Center for Human Genetics Tuebingen
Classification: Likely benign. Last evaluated: 2020-12-01. Review status: criteria provided, single submitter. Criteria: CeGaT Center For Human Genetics Tuebingen Variant Classification Criteria Version 2. Collection method: clinical testing. Allele origin: germline. Affected: yes. Observed: 2 variant alleles.

GeneDx
Classification: Likely benign. Last evaluated: 2018-03-08. Review status: criteria provided, single submitter. Criteria: GeneDx Variant Classification (06012015). Collection method: clinical testing. Allele origin: germline. Affected: yes.
Comment: This variant is considered likely benign or benign based on one or more of the following criteria: it is a conservative change, it occurs at a poorly conserved position in the protein, it is predicted to be benign by multiple in silico algorithms, and/or has population frequency not consistent with disease.

Breakthrough Genomics
Classification: Likely benign. Review status: criteria provided, single submitter. Criteria: ACMG Guidelines, 2015. Collection method: not provided. Allele origin: germline. Inheritance: Autosomal recessive inheritance. Affected: yes.

PreventionGenetics, part of Exact Sciences
Classification: Likely benign for COG4-related condition. Last evaluated: 2019-07-16. Review status: no assertion criteria provided. Collection method: clinical testing. Allele origin: germline. Not counted in ClinVar's aggregate classification.
Comment: This variant is classified as likely benign based on ACMG/AMP sequence variant interpretation guidelines (Richards et al. 2015 PMID: 25741868, with internal and published modifications).

NM_015386.3(COG4):c.558T>C (p.Asp186=)

Gene: COG4 (component of oligomeric golgi complex 4; minus strand). Cytogenetic location: 16q22.1.
Variant type: single nucleotide variant.
Coding change: c.558T>C on transcript NM_015386.3 (MANE Select); coding-DNA position 558, T replaced by C.
Protein change: p.Asp186=; no amino-acid change (aspartic acid 186 retained).
Molecular consequence: synonymous variant. On other transcripts: non-coding transcript variant (1).
Genome position (GRCh38, 1-based): chr16:70,512,419, A>G on the plus strand (T>C on the coding strand, the complement: COG4 is on the minus strand). VCF-style: chr16-70512419-A-G. GRCh37 (hg19) VCF-style: chr16-70546322-A-G.
Other names: c.546T>C, p.Asp182= (NM_001195139.2); c.132T>C, p.Asp44= (NM_001365426.1).
Identifiers: ClinVar variation 374500 (VCV000374500.54), dbSNP rs376885733, ClinGen allele CA8144640.
Genomic context (GRCh38, chr16:70,512,419, plus strand): 5'-CTTCTCTGCCACAATGGCTTTGAGACGTTGCTCAGCTTCCTGCAGCAATTTCAGGTTGGC[A>G]TCAATCATGCTCCCTGCTCAACAGGGAGAAAATGAAAATTCAAGTAAAGAATAGTACTGT-3'
Protein context (NP_056201.2, residues 176-196): SRQGKEGSMI[Asp186=]ANLKLLQEAE